The following is an entry in ClinVar:

ClinVar aggregate classification (germline): Pathogenic (1 of 4 stars; one submission).

Conditions:
Lynch syndrome 5 (LYNCH5). Also called: Hereditary non-polyposis colorectal cancer, type 5; Colorectal cancer, hereditary nonpolyposis, type 5. Identifiers: Orphanet 144, MedGen C1833477, MONDO:0013710, OMIM 614350. Disease mechanism: loss of function.

Submission:

Myriad Genetics, Inc.
Classification: Pathogenic for Lynch syndrome 5. Last evaluated: 2024-08-06. Review status: criteria provided, single submitter. Criteria: Myriad Autosomal Dominant, Autosomal Recessive and X-Linked Classification Criteria (2023). Collection method: clinical testing. Allele origin: unknown.
Comment: This variant is considered pathogenic. This variant creates a frameshift predicted to result in premature protein truncation.

NM_000179.3(MSH6):c.3008dup (p.Cys1003fs)

Gene: MSH6 (mutS homolog 6; plus strand). Cytogenetic location: 2p16.3.
Variant type: Duplication.
Coding change: c.3008dup on transcript NM_000179.3 (MANE Select); coding-DNA position 3008, one base duplicated (G; older notation c.3008dupG).
Protein change: p.Cys1003fs; shifts the reading frame from cysteine 1003.
Molecular consequence: frameshift variant. On other transcripts: non-coding transcript variant (5), intron variant (2).
Genome position (GRCh38, 1-based): chr2:47,800,991, G duplicated. VCF-style (leftmost placement, unchanged base first): chr2-47800990-T-TG. GRCh37 (hg19) VCF-style: chr2-48028129-T-TG.
Other names: c.2618dup, p.Cys873fs (NM_001281492.2); c.2102dup, p.Cys701fs (NM_001281493.2, NM_001281494.2, NM_001406811.1 and 6 more transcripts); c.3104dup, p.Cys1035fs (NM_001406795.1, NM_001406802.1); c.3008dup, p.Cys1003fs (NM_001406796.1, NM_001406798.1, NM_001406800.1 and 2 more transcripts); c.2711dup, p.Cys904fs (NM_001406797.1, NM_001406801.1, NM_001406805.1 and 10 more transcripts); c.2483dup, p.Cys828fs (NM_001406799.1, NM_001406806.1, NM_001406807.1); c.2930dup, p.Cys977fs (NM_001406804.1); c.3014dup, p.Cys1005fs (NM_001406813.1); and 4 more; short protein forms C1003fs, C1005fs, C1035fs, C318fs, C701fs, C828fs, C873fs, C904fs.
Identifiers: ClinVar variation 3379262 (VCV003379262.1).